The following is an entry in ClinVar:

ClinVar aggregate classification (germline): Uncertain significance. Review status: criteria provided, multiple submitters, no conflicts (2 of 4 stars). 2 submissions from 2 submitters: Uncertain significance (2). Last evaluated 2024-10-05.

Conditions:
Epidermolysis bullosa simplex 3, localized or generalized intermediate, with BP230 deficiency (EBS3). Also called: Epidermolysis bullosa simplex due to BP230 deficiency; Epidermolysis bullosa simplex, autosomal recessive 2. Identifiers: Orphanet 412181, MedGen C3809470, MONDO:0014180, OMIM 615425.
Hereditary sensory and autonomic neuropathy type 6. Also called: HSAN VI; Neuropathy, hereditary sensory and autonomic, type VI. Identifiers: Orphanet 314381, MedGen C3539003, MONDO:0013839, OMIM 614653.

Allele frequency attached by ClinVar (database versions not stated): TOPMed below 0.00001.
gnomAD v4.1: 1 of 1,613,552 alleles (0.000062%); highest among the groups gnomAD compares: African/African-American, 0.0013%; no homozygotes.

Submissions (2):

GeneDx
Classification: Uncertain significance. Last evaluated: 2024-10-05. Review status: criteria provided, single submitter. Criteria: GeneDx Variant Classification Process June 2021. Collection method: clinical testing. Allele origin: germline. Affected: yes.
Comment: Not observed at significant frequency in large population cohorts (gnomAD); In silico analysis supports that this missense variant has a deleterious effect on protein structure/function; Has not been previously published as pathogenic or benign to our knowledge; Reported using the transcript encoding the epithelial isoform of the gene.

Labcorp Genetics (formerly Invitae), Labcorp
Classification: Uncertain significance for Epidermolysis bullosa simplex 3, localized or generalized intermediate, with BP230 deficiency; Hereditary sensory and autonomic neuropathy type 6. Last evaluated: 2019-02-03. Review status: criteria provided, single submitter. Criteria: Invitae Variant Classification Sherloc (09022015). Collection method: clinical testing. Allele origin: germline.
Comment: In summary, the available evidence is currently insufficient to determine the role of this variant in disease. Therefore, it has been classified as a Variant of Uncertain Significance. Algorithms developed to predict the effect of missense changes on protein structure and function are either unavailable or do not agree on the potential impact of this missense change (SIFT: "Deleterious"; PolyPhen-2: "Benign"; Align-GVGD: "Class C15"). This variant has not been reported in the literature in individuals with DST-related conditions. This variant is not present in population databases (ExAC no frequency). This sequence change replaces alanine with aspartic acid at codon 915 of the DST protein (p.Ala915Asp). The alanine residue is highly conserved and there is a moderate physicochemical difference between alanine and aspartic acid.

NM_001374736.1(DST):c.4355C>A (p.Ala1452Asp)

Gene: DST (dystonin; minus strand). Cytogenetic location: 6p12.1.
Variant type: single nucleotide variant.
Coding change: c.4355C>A on transcript NM_001374736.1 (MANE Select); coding-DNA position 4355, C replaced by A.
Protein change: p.Ala1452Asp; replaces alanine 1452 with aspartic acid.
Molecular consequence: missense variant.
Genome position (GRCh38, 1-based): chr6:56,629,370, G>T on the plus strand (C>A on the coding strand, the complement: DST is on the minus strand). VCF-style: chr6-56629370-G-T. GRCh37 (hg19) VCF-style: chr6-56494168-G-T.
Other names: c.4256C>A, p.Ala1419Asp (NM_001144769.5); c.3842C>A, p.Ala1281Asp (NM_001144770.2); c.4355C>A, p.Ala1452Asp (NM_001374722.1); c.3722C>A, p.Ala1241Asp (NM_001374729.1, NM_001374730.1, NM_001386100.1 and 1 more transcripts); c.4382C>A, p.Ala1461Asp (NM_001374734.1); c.2744C>A, p.Ala915Asp (NM_001723.7, NM_015548.5); short protein forms A1419D, A1461D, A1241D, A1281D, A1452D, A915D.
Identifiers: ClinVar variation 842241 (VCV000842241.11), dbSNP rs1204319451, ClinGen allele CA364573820.